The following is an entry in ClinVar:

NM_002693.3(POLG):c.1170+9C>T

Gene: POLG (DNA polymerase gamma, catalytic subunit; minus strand). Cytogenetic location: 15q26.1.
Variant type: single nucleotide variant.
Coding change: c.1170+9C>T on transcript NM_002693.3 (MANE Select); 9 bases into the intron after coding-DNA position 1170, C replaced by T.
Molecular consequence: intron variant.
Genome position (GRCh38, 1-based): chr15:89,328,676, G>A on the plus strand (C>T on the coding strand, the complement: POLG is on the minus strand). VCF-style: chr15-89328676-G-A. GRCh37 (hg19) VCF-style: chr15-89871907-G-A.
Other names: c.1170+9C>T (NM_001126131.2).
Identifiers: ClinVar variation 619348 (VCV000619348.9), dbSNP rs373168754, ClinGen allele CA10602304.

ClinVar aggregate classification (germline): Likely benign. Review status: criteria provided, multiple submitters, no conflicts (2 of 4 stars). 2 submissions from 2 submitters: Likely benign (2). Last evaluated 2023-05-16.

Conditions:
Progressive sclerosing poliodystrophy (MTDPS4A). Also called: Alpers-Huttenlocher Syndrome (AHS); Alpers Syndrome; ALPERS PROGRESSIVE INFANTILE POLIODYSTROPHY; Mitochondrial DNA depletion syndrome 4A (Alpers type); ALPERS DIFFUSE DEGENERATION OF CEREBRAL GRAY MATTER WITH HEPATIC CIRRHOSIS; Alpers-Huttenlocher Syndrome. Identifiers: Orphanet 726, MedGen C0205710, MONDO:0008758, OMIM 203700.

Allele frequency attached by ClinVar (database versions not stated): ESP Exome Variant Server 0.00008; TOPMed below 0.00001; gnomAD 0.00001.

Submissions (2):

Labcorp Genetics (formerly Invitae), Labcorp
Classification: Likely benign for Progressive sclerosing poliodystrophy. Last evaluated: 2023-05-16. Review status: criteria provided, single submitter. Criteria: Invitae Variant Classification Sherloc (09022015). Collection method: clinical testing. Allele origin: germline.

Wong Mito Lab, Molecular and Human Genetics, Baylor College of Medicine
Classification: Likely benign for Progressive sclerosing poliodystrophy. Last evaluated: 2018-10-01. Review status: criteria provided, single submitter. Criteria: ACMG Guidelines, 2015. Collection method: clinical testing. Allele origin: germline.
Comment: The NM_002693.2:c.1170+9C>T (NP_002684.1:p.=) [GRCH38: NC_000015.10:g.89328676G>A] variant in POLG gene is interpretated to be a Likely Benign based on ACMG guidelines (PMID: 25741868). This variant meets the following evidence codes reported in the ACMG-guideline. BP4:Computational evidence/predictors indicate no impact on the POLG structure, function, or protein-protein interaction. BP6:Reputable source(s) without shared data suggest the variant is benign. Based on the evidence criteria codes applied, the variant is suggested to be Likely Benign.